The following is an entry in ClinVar:

ClinVar aggregate classification (germline): Conflicting classifications of pathogenicity. Review status: criteria provided, conflicting classifications (1 of 4 stars). 5 submissions from 2 submitters: Uncertain significance (4); Likely benign (1). Last evaluated 2018-01-12.

Conditions:
Transitory neonatal diabetes mellitus. Also called: Transient neonatal diabetes mellitus. Identifiers: MedGen C0342273, MONDO:0020525, HP:0008255.
Maturity-onset diabetes of the young (MODY). Also called: Maturity onset diabetes mellitus in young. Identifiers: Orphanet 552, MedGen C0342276, MONDO:0018911, HP:0004904.
Permanent neonatal diabetes mellitus (PNDM). Identifiers: Orphanet 99885, MedGen C1833104, MONDO:0100164, MONDO:0011643. Disease mechanism: gain of function.
Hyperinsulinemic hypoglycemia, familial, 1 (HHF1). Also called: Persistent hyperinsulinemic hypoglycemia of infancy; HYPERINSULINISM, FAMILIAL, WITH PANCREATIC NESIDIOBLASTOSIS; HYPOGLYCEMIA, HYPERINSULINEMIC, OF INFANCY; NESIDIOBLASTOSIS OF PANCREAS; Persistent Hyperinsulinemia Hypoglycemia of Infancy. Identifiers: Orphanet 276575, Orphanet 276598, MedGen C2931832, MONDO:0009734, OMIM 256450.
Diabetes mellitus, transient neonatal, 2 (TNDM2). Identifiers: Orphanet 99886, MedGen C1835887, MONDO:0012480, OMIM 610374. Disease mechanism: loss of function.

Allele frequency attached by ClinVar (database versions not stated): gnomAD exomes 0.00001; ExAC 0.00002.
gnomAD v4.1: 13 of 1,614,182 alleles (0.00081%); highest among the groups gnomAD compares: African/African-American, 0.0013%; no homozygotes.

Submissions (5):

Illumina Laboratory Services, Illumina
Classification: Uncertain significance for Hyperinsulinemic hypoglycemia, familial, 1. Last evaluated: 2018-01-12. Review status: criteria provided, single submitter. Criteria: ICSL Variant Classification Criteria 13 December 2019. Collection method: clinical testing. Allele origin: germline.

Illumina Laboratory Services, Illumina
Classification: Likely benign for Diabetes mellitus, transient neonatal, 2. Last evaluated: 2018-01-12. Review status: criteria provided, single submitter. Criteria: ICSL Variant Classification Criteria 13 December 2019. Collection method: clinical testing. Allele origin: germline.
Comment: This variant was observed in the ICSL laboratory as part of a predisposition screen in an ostensibly healthy population. It had not been previously curated by ICSL or reported in the Human Gene Mutation Database (HGMD: prior to June 1st, 2018), and was therefore a candidate for classification through an automated scoring system. Utilizing variant allele frequency, disease prevalence and penetrance estimates, and inheritance mode, an automated score was calculated to assess if this variant is too frequent to cause the disease. Based on the score and internal cut-off values, a variant classified as likely benign is not then subjected to further curation. The score for this variant resulted in a classification of likely benign for this disease.

Illumina Laboratory Services, Illumina
Classification: Uncertain significance for Permanent neonatal diabetes mellitus 1. Last evaluated: 2018-01-12. Review status: criteria provided, single submitter. Criteria: ICSL Variant Classification Criteria 13 December 2019. Collection method: clinical testing. Allele origin: germline.

Clinical Genomics, Uppaluri K&H Personalized Medicine Clinic
Classification: Uncertain significance for Maturity-onset diabetes of the young. Review status: criteria provided, single submitter. Criteria: K & H Uppaluri Personalized Medicine Clinic Variant Classification & Assertion Criteria_Updated V.1. Collection method: research. Allele origin: somatic. Inheritance: Somatic mutation.
Comment: Mutations in ABCC8 gene are associated with both neonatal diabetes mellitus as well as MODY. Patients with this mutation may have a better response to sulfonylureas. However, no sufficient evidence is found to ascertain the role of this particular variant (rs745895362) in MODY yet.

Clinical Genomics, Uppaluri K&H Personalized Medicine Clinic
Classification: Uncertain significance for Transitory neonatal diabetes mellitus. Review status: criteria provided, single submitter. Criteria: K & H Uppaluri Personalized Medicine Clinic Variant Classification & Assertion Criteria_Updated V.1. Collection method: research. Allele origin: somatic. Inheritance: Somatic mutation.
Comment: Mutations in ABCC8 gene are associated with both neonatal diabetes mellitus as well as MODY. Patients with this mutation may have a better response to sulfonylureas. However, no sufficient evidence is found to ascertain the role of this particular variant (rs745895362) in neonatal diabetes yet.

Literature cited by the submitters: PubMed 16885549 (cited by Clinical Genomics, Uppaluri K&H Personalized Medicine Clinic); PubMed 21989597 (cited by Clinical Genomics, Uppaluri K&H Personalized Medicine Clinic); PubMed 27538677 (cited by Clinical Genomics, Uppaluri K&H Personalized Medicine Clinic); PubMed 18981553 (cited by Clinical Genomics, Uppaluri K&H Personalized Medicine Clinic); PubMed 32027066 (cited by Clinical Genomics, Uppaluri K&H Personalized Medicine Clinic); PubMed 16613899 (cited by Clinical Genomics, Uppaluri K&H Personalized Medicine Clinic); PubMed 18025408 (cited by Clinical Genomics, Uppaluri K&H Personalized Medicine Clinic); PubMed 32792356 (cited by Clinical Genomics, Uppaluri K&H Personalized Medicine Clinic).

NM_000352.6(ABCC8):c.3224T>C (p.Ile1075Thr)

Gene: ABCC8 (ATP binding cassette subfamily C member 8; minus strand). Cytogenetic location: 11p15.1.
Variant type: single nucleotide variant.
Coding change: c.3224T>C on transcript NM_000352.6 (MANE Select); coding-DNA position 3224, T replaced by C.
Protein change: p.Ile1075Thr; replaces isoleucine 1075 with threonine.
Molecular consequence: missense variant. On other transcripts: non-coding transcript variant (1).
Genome position (GRCh38, 1-based): chr11:17,406,727, A>G on the plus strand (T>C on the coding strand, the complement: ABCC8 is on the minus strand). VCF-style: chr11-17406727-A-G. GRCh37 (hg19) VCF-style: chr11-17428274-A-G.
Other names: c.3227T>C, p.Ile1076Thr (NM_001287174.3); c.3290T>C, p.Ile1097Thr (NM_001351295.2); c.3224T>C, p.Ile1075Thr (NM_001351296.2); c.3221T>C, p.Ile1074Thr (NM_001351297.2); short protein forms I1075T, I1076T, I1074T, I1097T.
Identifiers: ClinVar variation 303765 (VCV000303765.6), dbSNP rs745895362, ClinGen allele CA5902881.
Genomic context (GRCh38, chr11:17,406,727, plus strand): 5'-CTCTTGGCCACCTTCAGCCCTGTCCACTCCACAGTGACAGACGTGACGAGGCACAGCACA[A>G]TGCCCAGGCTGCAGAGCACCGTGAACACCATGGCATAGACAGTCTGGTCGAGGGTGCACT-3'
Protein context (NP_000343.2, residues 1065-1085): MVFTVLCSLG[Ile1075Thr]VLCLVTSVTV